The following is an entry in ClinVar:

NM_000038.6(APC):c.1309C>T (p.Pro437Ser)

Gene: APC (APC regulator of Wnt signaling pathway; plus strand). Cytogenetic location: 5q22.2.
Variant type: single nucleotide variant.
Coding change: c.1309C>T on transcript NM_000038.6 (MANE Select); coding-DNA position 1309, C replaced by T.
Protein change: p.Pro437Ser; replaces proline 437 with serine.
Molecular consequence: missense variant. On other transcripts: non-coding transcript variant (2).
Genome position (GRCh38, 1-based): chr5:112,819,341, C>T. VCF-style: chr5-112819341-C-T. GRCh37 (hg19) VCF-style: chr5-112155038-C-T.
Other names: c.1339C>T, p.Pro447Ser (NM_001407446.1, NM_001354897.2); c.1309C>T, p.Pro437Ser (NM_001407447.1, NM_001407448.1, NM_001407449.1 and 4 more transcripts); c.1234C>T, p.Pro412Ser (NM_001407451.1, NM_001354898.2); c.1225C>T, p.Pro409Ser (NM_001407452.1, NM_001354899.2); c.1132C>T, p.Pro378Ser (NM_001407453.1, NM_001354900.2, NM_001354901.2); c.1006C>T, p.Pro336Ser (NM_001407454.1, NM_001407455.1, NM_001407456.1 and 5 more transcripts); c.460C>T, p.Pro154Ser (NM_001354906.2, NM_001407470.1); c.922C>T, p.Pro308Ser (NM_001407467.1, NM_001407469.1); and 5 more; short protein forms P277S, P419S, P437S, P154S, P409S, P447S, P311S, P336S.
Identifiers: ClinVar variation 5025439 (VCV005025439.1).
Genomic context (GRCh38, chr5:112,819,341, plus strand): 5'-TGTGAAACCTGTTGGGAGTGGCAGGAAGCTCATGAACCAGGCATGGACCAGGACAAAAAT[C>T]CAAGTATGTTCTCTATAGTGTACATCGTAGTGCATGTTTCAAAGCAAATGTGAAATTTTT-3'
Protein context (NP_000029.2, residues 427-447): HEPGMDQDKN[Pro437Ser]MPAPVEHQIC

ClinVar aggregate classification (germline): Uncertain significance (1 of 4 stars; one submission).

Conditions:
Hereditary cancer-predisposing syndrome. Also called: Neoplastic Syndromes, Hereditary; Tumor predisposition; Hereditary neoplastic syndrome; Hereditary Cancer Syndrome. Identifiers: Orphanet 140162, MedGen C0027672, MeSH D009386, MONDO:0015356.

Submission:

Ambry Genetics
Classification: Uncertain significance for Hereditary cancer-predisposing syndrome. Last evaluated: 2026-07-16. Review status: criteria provided, single submitter. Criteria: Ambry Variant Classification Scheme 2023. Collection method: clinical testing. Allele origin: germline.
Comment: The p.P437S variant (also known as c.1309C>T), located in coding exon 9 of the APC gene, results from a C to T substitution at nucleotide position 1309. The proline at codon 437 is replaced by serine, an amino acid with similar properties. This amino acid position is highly conserved in available vertebrate species. In addition, in silico predictors for this gene do not accurately predict pathogenicity. Missense variants in APC are not a common cause of disease (Spier I et al. Genet Med. 2024 Feb;26(2):100992). Based on the available evidence, the clinical significance of this variant remains unclear.